The following is an entry in ClinVar:

NM_002528.7(NTHL1):c.685G>A (p.Ala229Thr)

Gene: NTHL1 (nth like DNA glycosylase 1; minus strand). Cytogenetic location: 16p13.3.
Variant type: single nucleotide variant.
Coding change: c.685G>A on transcript NM_002528.7 (MANE Select); coding-DNA position 685, G replaced by A.
Protein change: p.Ala229Thr; replaces alanine 229 with threonine.
Molecular consequence: missense variant.
Genome position (GRCh38, 1-based): chr16:2,043,567, C>T on the plus strand (G>A on the coding strand, the complement: NTHL1 is on the minus strand). VCF-style: chr16-2043567-C-T. GRCh37 (hg19) VCF-style: chr16-2093568-C-T.
Other names: c.514G>A, p.Ala172Thr (NM_001318193.2); c.355G>A, p.Ala119Thr (NM_001318194.2); short protein forms A229T, A119T, A172T.
Identifiers: ClinVar variation 2857529 (VCV002857529.4), dbSNP rs2548314952, ClinGen allele CA394290777.

ClinVar aggregate classification (germline): Uncertain significance. Review status: criteria provided, multiple submitters, no conflicts (2 of 4 stars). 2 submissions from 2 submitters: Uncertain significance (2). Last evaluated 2023-04-19.

Submissions (2):

Labcorp Genetics (formerly Invitae), Labcorp
Classification: Uncertain significance. Last evaluated: 2023-04-19. Review status: criteria provided, single submitter. Criteria: Invitae Variant Classification Sherloc (09022015). Collection method: clinical testing. Allele origin: germline.
Comment: In summary, the available evidence is currently insufficient to determine the role of this variant in disease. Therefore, it has been classified as a Variant of Uncertain Significance. Variants that disrupt the consensus splice site are a relatively common cause of aberrant splicing (PMID: 17576681, 9536098). An algorithm developed to predict the effect of missense changes on protein structure and function (PolyPhen-2) suggests that this variant is likely to be tolerated. This variant has not been reported in the literature in individuals affected with NTHL1-related conditions. This variant is not present in population databases (gnomAD no frequency). This sequence change replaces alanine, which is neutral and non-polar, with threonine, which is neutral and polar, at codon 237 of the NTHL1 protein (p.Ala237Thr). This variant also falls at the last nucleotide of exon 4, which is part of the consensus splice site for this exon.

Blueprint Genetics
Classification: Uncertain significance. Last evaluated: 2023-03-31. Review status: criteria provided, single submitter. Criteria: ACMG Guidelines, 2015. Collection method: clinical testing. Allele origin: germline.

Literature cited by the submitters: PubMed 17576681 (cited by Labcorp Genetics (formerly Invitae), Labcorp); PubMed 9536098 (cited by Labcorp Genetics (formerly Invitae), Labcorp).